The following is an entry in ClinVar:

NM_017570.5(OPLAH):c.1862G>T (p.Gly621Val)

Gene: OPLAH (5-oxoprolinase, ATP-hydrolysing; minus strand). Cytogenetic location: 8q24.3.
Variant type: single nucleotide variant.
Coding change: c.1862G>T on transcript NM_017570.5 (MANE Select); coding-DNA position 1862, G replaced by T.
Protein change: p.Gly621Val; replaces glycine 621 with valine.
Molecular consequence: missense variant.
Genome position (GRCh38, 1-based): chr8:144,056,506, C>A on the plus strand (G>T on the coding strand, the complement: OPLAH is on the minus strand). VCF-style: chr8-144056506-C-A. GRCh37 (hg19) VCF-style: chr8-145111409-C-A.
Other names: short protein forms G621V.
Identifiers: ClinVar variation 2162757 (VCV002162757.2), dbSNP rs556631164, ClinGen allele CA4931681.

ClinVar aggregate classification (germline): Uncertain significance (1 of 4 stars; one submission).

Conditions:
5-Oxoprolinase deficiency (OPLAHD). Also called: 5-OXOPROLINURIA DUE TO 5-OXOPROLINASE DEFICIENCY. Identifiers: Orphanet 33572, MedGen C0268525, MONDO:0009825, OMIM 260005, HP:0040142.

Allele frequency attached by ClinVar (database versions not stated): TOPMed below 0.00001; gnomAD 0.00001; ExAC 0.00002; 1000 Genomes Project 30x 0.00016; 1000 Genomes Project 0.00020.
gnomAD v4.1: 2 of 1,611,824 alleles (0.00012%); highest among the groups gnomAD compares: Non-Finnish European, 0.00017%; no homozygotes.

Submission:

Labcorp Genetics (formerly Invitae), Labcorp
Classification: Uncertain significance for 5-Oxoprolinase deficiency. Last evaluated: 2025-07-09. Review status: criteria provided, single submitter. Criteria: Invitae Variant Classification Sherloc (09022015). Collection method: clinical testing. Allele origin: germline.
Comment: This sequence change replaces glycine, which is neutral and non-polar, with valine, which is neutral and non-polar, at codon 621 of the OPLAH protein (p.Gly621Val). This variant is present in population databases (rs556631164, gnomAD 0.002%). This variant has not been reported in the literature in individuals affected with OPLAH-related conditions. ClinVar contains an entry for this variant (Variation ID: 2162757). Experimental studies and prediction algorithms are not available or were not evaluated, and the functional significance of this variant is currently unknown. In summary, the available evidence is currently insufficient to determine the role of this variant in disease. Therefore, it has been classified as a Variant of Uncertain Significance.